The following is an entry in ClinVar:

ClinVar aggregate classification (germline): Uncertain significance. Review status: criteria provided, multiple submitters, no conflicts (2 of 4 stars). 2 submissions from 2 submitters: Uncertain significance (2). Last evaluated 2026-02-09.

Conditions:
Inborn genetic diseases. Identifiers: MedGen C0950123, MeSH D030342.

Submissions (2):

GeneDx
Classification: Uncertain significance. Last evaluated: 2026-02-09. Review status: criteria provided, single submitter. Criteria: GeneDx Variant Classification Process June 2021. Collection method: clinical testing. Allele origin: germline.
Comment: Not observed at significant frequency in large population cohorts (gnomAD); In silico analysis supports that this missense variant has a deleterious effect on protein structure/function; Has not been previously published as pathogenic or benign to our knowledge

Ambry Genetics
Classification: Uncertain significance for Inborn genetic diseases. Last evaluated: 2025-10-08. Review status: criteria provided, single submitter. Criteria: Ambry Variant Classification Scheme 2023. Collection method: clinical testing. Allele origin: germline.

NM_004618.5(TOP3A):c.1267A>C (p.Thr423Pro)

Gene: TOP3A (DNA topoisomerase III alpha; minus strand). Cytogenetic location: 17p11.2.
Variant type: single nucleotide variant.
Coding change: c.1267A>C on transcript NM_004618.5 (MANE Select); coding-DNA position 1267, A replaced by C.
Protein change: p.Thr423Pro; replaces threonine 423 with proline.
Molecular consequence: missense variant.
Genome position (GRCh38, 1-based): chr17:18,292,659, T>G on the plus strand (A>C on the coding strand, the complement: TOP3A is on the minus strand). VCF-style: chr17-18292659-T-G. GRCh37 (hg19) VCF-style: chr17-18195973-T-G.
Other names: c.982A>C, p.Thr328Pro (NM_001320759.2); c.1267A>C (NM_004618.4); short protein forms T423P, T328P.
Identifiers: ClinVar variation 4633414 (VCV004633414.2).